The following is an entry in ClinVar:

NM_001271.4(CHD2):c.2353-10A>G

Gene: CHD2 (chromodomain helicase DNA binding protein 2; plus strand). Cytogenetic location: 15q26.1.
Variant type: single nucleotide variant.
Coding change: c.2353-10A>G on transcript NM_001271.4 (MANE Select); 10 bases into the intron before coding-DNA position 2353, A replaced by G.
Molecular consequence: intron variant.
Genome position (GRCh38, 1-based): chr15:92,972,255, A>G. VCF-style: chr15-92972255-A-G. GRCh37 (hg19) VCF-style: chr15-93515485-A-G.
Identifiers: ClinVar variation 384397 (VCV000384397.14), dbSNP rs190159225, ClinGen allele CA7747971.

ClinVar aggregate classification (germline): Benign/Likely benign. Review status: criteria provided, multiple submitters, no conflicts (2 of 4 stars). 4 submissions from 4 submitters: Benign (3); Likely benign (1). Last evaluated 2026-01-31.

Conditions:
Developmental and epileptic encephalopathy 94 (DEE94). Also called: CHD2-Related Neurodevelopmental Disorders; Epileptic encephalopathy, childhood-onset. Identifiers: Orphanet 1942, Orphanet 2382, MedGen C3809278, MONDO:0014150, OMIM 615369.

Allele frequency attached by ClinVar (database versions not stated): 1000 Genomes Project 30x 0.00125; 1000 Genomes Project 0.00140; gnomAD 0.00150 and 0.00160; ESP Exome Variant Server 0.00169; gnomAD exomes 0.00171; TOPMed 0.00173; ExAC 0.00191.
gnomAD v4.1: 2,740 of 1,603,684 alleles (0.17%); highest among the groups gnomAD compares: Middle Eastern, 0.68%; 7 homozygotes.

Submissions (4):

Labcorp Genetics (formerly Invitae), Labcorp
Classification: Benign for Developmental and epileptic encephalopathy 94. Last evaluated: 2026-01-31. Review status: criteria provided, single submitter. Criteria: Invitae Variant Classification Sherloc (09022015). Collection method: clinical testing. Allele origin: germline.

Blueprint Genetics
Classification: Likely benign. Last evaluated: 2024-11-27. Review status: criteria provided, single submitter. Criteria: ACMG Guidelines, 2015. Collection method: clinical testing. Allele origin: germline.

GeneDx
Classification: Benign. Last evaluated: 2016-09-09. Review status: criteria provided, single submitter. Criteria: GeneDx Variant Classification (06012015). Collection method: clinical testing. Allele origin: germline. Affected: yes.
Comment: This variant is considered likely benign or benign based on one or more of the following criteria: it is a conservative change, it occurs at a poorly conserved position in the protein, it is predicted to be benign by multiple in silico algorithms, and/or has population frequency not consistent with disease.

Breakthrough Genomics
Classification: Benign. Review status: criteria provided, single submitter. Criteria: ACMG Guidelines, 2015. Collection method: not provided. Allele origin: germline. Inheritance: Autosomal dominant inheritance. Affected: yes.